The following is an entry in ClinVar:

NM_005807.6(PRG4):c.198G>A (p.Ala66=)

Gene: PRG4 (proteoglycan 4; plus strand). Cytogenetic location: 1q31.1.
Variant type: single nucleotide variant.
Coding change: c.198G>A on transcript NM_005807.6 (MANE Select); coding-DNA position 198, G replaced by A.
Protein change: p.Ala66=; no amino-acid change (alanine 66 retained).
Molecular consequence: synonymous variant. On other transcripts: intron variant (2).
Genome position (GRCh38, 1-based): chr1:186,300,212, G>A. VCF-style: chr1-186300212-G-A. GRCh37 (hg19) VCF-style: chr1-186269344-G-A.
Other names: c.198G>A, p.Ala66= (NM_001127709.3, NM_001303232.2); c.77-1380G>A (NM_001127708.3, NM_001127710.3).
Identifiers: ClinVar variation 2639648 (VCV002639648.24), dbSNP rs61729243, ClinGen allele CA1295751.

ClinVar aggregate classification (germline): Likely benign (1 of 4 stars; one submission).

Allele frequency attached by ClinVar (database versions not stated): ExAC 0.00028; ESP Exome Variant Server 0.00038; gnomAD 0.00057; 1000 Genomes Project 30x 0.00062; TOPMed 0.00063; 1000 Genomes Project 0.00080.
gnomAD v4.1: 344 of 1,613,970 alleles (0.021%); highest among the groups gnomAD compares: African/African-American, 0.18%; no homozygotes.

Submission:

CeGaT Center for Human Genetics Tuebingen
Classification: Likely benign. Last evaluated: 2023-01-01. Review status: criteria provided, single submitter. Criteria: CeGaT Center For Human Genetics Tuebingen Variant Classification Criteria Version 2. Collection method: clinical testing. Allele origin: germline. Affected: yes. Observed: 1 variant allele.
Comment: PRG4: BP4, BP7